The following is an entry in ClinVar:

ClinVar aggregate classification (germline): Conflicting classifications of pathogenicity. Review status: criteria provided, conflicting classifications (1 of 4 stars). 2 submissions from 2 submitters: Likely pathogenic (1); Uncertain significance (1). Last evaluated 2025-03-19.

Conditions:
Familial thoracic aortic aneurysm and aortic dissection (TAAD). Also called: Thoracic aortic aneurysms and dissections. Identifiers: Orphanet 91387, MedGen C4707243, MONDO:0019625.
Marfan syndrome (MFS). Also called: FBN1-Related Marfan Syndrome; Marfan syndrome type 1; Marfan's syndrome; Marfan syndrome, classic; MARFAN SYNDROME, TYPE I. Identifiers: Orphanet 284963, Orphanet 558, MedGen C0024796, MONDO:0007947, OMIM 154700.

Submissions (2):

Labcorp Genetics (formerly Invitae), Labcorp
Classification: Uncertain significance for Marfan syndrome; Familial thoracic aortic aneurysm and aortic dissection. Last evaluated: 2025-03-19. Review status: criteria provided, single submitter. Criteria: Invitae Variant Classification Sherloc (09022015). Collection method: clinical testing. Allele origin: germline.
Comment: This sequence change replaces serine, which is neutral and polar, with cysteine, which is neutral and slightly polar, at codon 152 of the FBN1 protein (p.Ser152Cys). This variant is not present in population databases (gnomAD no frequency). This missense change has been observed in individual(s) with clinical features of FBN1-related conditions (internal data). ClinVar contains an entry for this variant (Variation ID: 36077). Invitae Evidence Modeling of protein sequence and biophysical properties (such as structural, functional, and spatial information, amino acid conservation, physicochemical variation, residue mobility, and thermodynamic stability) has been performed for this missense variant. However, the output from this modeling did not meet the statistical confidence thresholds required to predict the impact of this variant on FBN1 protein function. In summary, the available evidence is currently insufficient to determine the role of this variant in disease. Therefore, it has been classified as a Variant of Uncertain Significance.

Women's Health and Genetics/Laboratory Corporation of America, LabCorp
Classification: Likely pathogenic for Marfan Syndrome. Last evaluated: 2011-08-18. Review status: criteria provided, single submitter. Criteria: LabCorp Variant Classification Summary - May 2015. Collection method: curation. Allele origin: germline. Inheritance: autosomal unknown. Affected: yes.
ClinVar note: Converted during submission from likely pathogenic to Likely pathogenic.

NM_000138.5(FBN1):c.454A>T (p.Ser152Cys)

Gene: FBN1 (fibrillin 1; minus strand). Cytogenetic location: 15q21.1.
Variant type: single nucleotide variant.
Coding change: c.454A>T on transcript NM_000138.5 (MANE Select); coding-DNA position 454, A replaced by T.
Protein change: p.Ser152Cys; replaces serine 152 with cysteine.
Molecular consequence: missense variant.
Genome position (GRCh38, 1-based): chr15:48,596,367, T>A on the plus strand (A>T on the coding strand, the complement: FBN1 is on the minus strand). VCF-style: chr15-48596367-T-A. GRCh37 (hg19) VCF-style: chr15-48888564-T-A.
Other names: short protein forms S152C.
Identifiers: ClinVar variation 36077 (VCV000036077.4), dbSNP rs193922206, ClinGen allele CA015186.
Genomic context (GRCh38, chr15:48,596,367, plus strand): 5'-ATCCGTAAGTGCATGCACATCGATTTGGGGCCACACACCTTCCTCCATTGAGACAGCCAC[T>A]TTCACAAACAGCTGTAAAATAAGGAGAGAGCTGAGACGCTTTACCTGAAAATAAATGCTA-3'
Protein context (NP_000129.3, residues 142-162): GTHCGQPVCE[Ser152Cys]GCLNGGRCVA